The following is an entry in ClinVar:

NM_001084.5(PLOD3):c.205C>G (p.Leu69Val)

Gene: PLOD3 (procollagen-lysine,2-oxoglutarate 5-dioxygenase 3; minus strand). Cytogenetic location: 7q22.1.
Variant type: single nucleotide variant.
Coding change: c.205C>G on transcript NM_001084.5 (MANE Select); coding-DNA position 205, C replaced by G.
Protein change: p.Leu69Val; replaces leucine 69 with valine.
Molecular consequence: missense variant.
Genome position (GRCh38, 1-based): chr7:101,216,543, G>C on the plus strand (C>G on the coding strand, the complement: PLOD3 is on the minus strand). VCF-style: chr7-101216543-G-C. GRCh37 (hg19) VCF-style: chr7-100859824-G-C.
Other names: short protein forms L69V.
Identifiers: ClinVar variation 4982351 (VCV004982351.1).

ClinVar aggregate classification (germline): Uncertain significance (1 of 4 stars; one submission).

Conditions:
PLOD3-related disorder. Also called: PLOD3-related condition.

gnomAD v4.1: 3 of 1,614,062 alleles (0.00019%); highest among the groups gnomAD compares: Non-Finnish European, 0.00025%; no homozygotes.

Submission:

PreventionGenetics, part of Exact Sciences
Classification: Uncertain significance for PLOD3-related condition. Last evaluated: 2026-08-24. Review status: criteria provided, single submitter. Criteria: ACMG Guidelines, 2015. Collection method: clinical testing. Allele origin: germline.
Comment: The PLOD3 c.205C>G variant is predicted to result in the amino acid substitution p.Leu69Val. To our knowledge, this variant has not been reported in the literature. This variant is reported in 0.00088% of alleles in individuals of European (Non-Finnish) descent in gnomAD. At this time, the clinical significance of this variant is uncertain due to the absence of conclusive functional and genetic evidence.